The following is an entry in ClinVar:

NM_004655.4(AXIN2):c.2280G>A (p.Gln760=)

Gene: AXIN2 (axin 2; minus strand). Cytogenetic location: 17q24.1.
Variant type: single nucleotide variant.
Coding change: c.2280G>A on transcript NM_004655.4 (MANE Select); coding-DNA position 2280, G replaced by A.
Protein change: p.Gln760=; no amino-acid change (glutamine 760 retained).
Molecular consequence: synonymous variant.
Genome position (GRCh38, 1-based): chr17:65,534,037, C>T on the plus strand (G>A on the coding strand, the complement: AXIN2 is on the minus strand). VCF-style: chr17-65534037-C-T. GRCh37 (hg19) VCF-style: chr17-63530155-C-T.
Other names: c.2085G>A, p.Gln695= (NM_001363813.1).
Identifiers: ClinVar variation 3379167 (VCV003379167.4).

ClinVar aggregate classification (germline): Benign/Likely benign. Review status: criteria provided, multiple submitters, no conflicts (2 of 4 stars). 3 submissions from 3 submitters: Benign (1); Likely benign (2). Last evaluated 2025-10-22.

Conditions:
Hereditary cancer-predisposing syndrome. Also called: Neoplastic Syndromes, Hereditary; Tumor predisposition; Hereditary Cancer Syndrome; Hereditary neoplastic syndrome. Identifiers: Orphanet 140162, MedGen C0027672, MeSH D009386, MONDO:0015356.
Oligodontia-cancer predisposition syndrome. Also called: TOOTH AGENESIS-COLORECTAL CANCER SYNDROME. Identifiers: Orphanet 300576, MedGen C1837750, MONDO:0012075, OMIM 608615. Disease mechanism: loss of function.

Submissions (3):

Ambry Genetics
Classification: Likely benign for Hereditary cancer-predisposing syndrome. Last evaluated: 2025-10-22. Review status: criteria provided, single submitter. Criteria: Ambry Variant Classification Scheme 2023. Collection method: clinical testing. Allele origin: germline.

Myriad Genetics, Inc.
Classification: Benign for Oligodontia-cancer predisposition syndrome. Last evaluated: 2024-07-10. Review status: criteria provided, single submitter. Criteria: Myriad Autosomal Dominant, Autosomal Recessive and X-Linked Classification Criteria (2023). Collection method: clinical testing. Allele origin: unknown.
Comment: This variant is considered benign. This variant is a silent/synonymous amino acid change and it is not expected to impact splicing.

Labcorp Genetics (formerly Invitae), Labcorp
Classification: Likely benign for Oligodontia-cancer predisposition syndrome. Last evaluated: 2024-03-24. Review status: criteria provided, single submitter. Criteria: Invitae Variant Classification Sherloc (09022015). Collection method: clinical testing. Allele origin: germline.